The following is an entry in ClinVar:

ClinVar aggregate classification (germline): Uncertain significance (1 of 4 stars; one submission).

Allele frequency attached by ClinVar (database versions not stated): gnomAD exomes below 0.00001 and 0.00001; gnomAD 0.00001; TOPMed 0.00001.
gnomAD v4.1: 11 of 1,563,078 alleles (0.0007%); highest among the groups gnomAD compares: Middle Eastern, 0.017%; no homozygotes.

Submission:

Labcorp Genetics (formerly Invitae), Labcorp
Classification: Uncertain significance. Last evaluated: 2022-04-14. Review status: criteria provided, single submitter. Criteria: Invitae Variant Classification Sherloc (09022015). Collection method: clinical testing. Allele origin: germline.
Comment: This sequence change replaces leucine, which is neutral and non-polar, with arginine, which is basic and polar, at codon 494 of the LAMB1 protein (p.Leu494Arg). This variant is present in population databases (no rsID available, gnomAD 0.0009%). This variant has not been reported in the literature in individuals affected with LAMB1-related conditions. ClinVar contains an entry for this variant (Variation ID: 1039588). Algorithms developed to predict the effect of missense changes on protein structure and function are either unavailable or do not agree on the potential impact of this missense change (SIFT: "Deleterious"; PolyPhen-2: "Benign"; Align-GVGD: "Class C65"). In summary, the available evidence is currently insufficient to determine the role of this variant in disease. Therefore, it has been classified as a Variant of Uncertain Significance.

NM_002291.3(LAMB1):c.1481T>G (p.Leu494Arg)

Gene: LAMB1 (laminin subunit beta 1; minus strand). Cytogenetic location: 7q31.1.
Variant type: single nucleotide variant.
Coding change: c.1481T>G on transcript NM_002291.3 (MANE Select); coding-DNA position 1481, T replaced by G.
Protein change: p.Leu494Arg; replaces leucine 494 with arginine.
Molecular consequence: missense variant.
Genome position (GRCh38, 1-based): chr7:107,974,987, A>C on the plus strand (T>G on the coding strand, the complement: LAMB1 is on the minus strand). VCF-style: chr7-107974987-A-C. GRCh37 (hg19) VCF-style: chr7-107615432-A-C.
Other names: short protein forms L494R.
Identifiers: ClinVar variation 1039588 (VCV001039588.8), dbSNP rs1328539454, ClinGen allele CA368876195.
Genomic context (GRCh38, chr7:107,974,987, plus strand): 5'-TCTATTAAAACATGTCATCCTCACCAACCACCCATCCCACGTAATGAGGATTTACTTACC[A>C]GGCACTGGTCACAATGCTGTCCTGTCACCAGACGCTTGCAGTAGCAGTGACCTGTCTCGG-3'
Protein context (NP_002282.2, residues 484-504): LVTGQHCDQC[Leu494Arg]PEHWGLSNDL